The following is an entry in ClinVar:

NM_002024.6(FMR1):c.1325G>A (p.Arg442Gln)

Gene: FMR1 (fragile X messenger ribonucleoprotein 1; plus strand). Cytogenetic location: Xq27.3.
Variant type: single nucleotide variant.
Coding change: c.1325G>A on transcript NM_002024.6 (MANE Select); coding-DNA position 1325, G replaced by A.
Protein change: p.Arg442Gln; replaces arginine 442 with glutamine.
Molecular consequence: missense variant. On other transcripts: intron variant (2).
Genome position (GRCh38, 1-based): chrX:147,943,180, G>A. VCF-style: chrX-147943180-G-A. GRCh37 (hg19) VCF-style: chrX-147024700-G-A.
Other names: c.1325G>A (NM_002024.4); c.1262G>A, p.Arg421Gln (NM_001185076.2, NM_001185082.2); c.1276-1764G>A (NM_001185075.2); c.1213-1764G>A (NM_001185081.2); short protein forms R421Q, R442Q.
Identifiers: ClinVar variation 1802576 (VCV001802576.4), dbSNP rs2521479452, ClinGen allele CA414445429.

ClinVar aggregate classification (germline): Conflicting classifications of pathogenicity. Review status: criteria provided, conflicting classifications (1 of 4 stars). 4 submissions from 4 submitters: Likely pathogenic (3); Uncertain significance (1). Last evaluated 2025-02-28.

Conditions:
Fragile X syndrome. Also called: Fragile X syndrome, type A; MARKER X SYNDROME; MARTIN-BELL SYNDROME; MENTAL RETARDATION, X-LINKED, ASSOCIATED WITH marXq28; Fragile X Syndrome (FXS); X-LINKED MENTAL RETARDATION AND MACROORCHIDISM. Identifiers: Orphanet 449291, Orphanet 908, MedGen C0016667, MONDO:0010383, OMIM 300624. Disease mechanism: loss of function.

Allele frequency attached by ClinVar (database versions not stated): gnomAD exomes below 0.00001.
gnomAD v4.1: 1 of 1,210,804 alleles (0.000083%); highest among the groups gnomAD compares: Non-Finnish European, 0.00011%; no homozygotes.

Submissions (4):

3billion
Classification: Likely pathogenic for Fragile X syndrome. Last evaluated: 2025-02-28. Review status: criteria provided, single submitter. Criteria: ACMG Guidelines, 2015. Collection method: clinical testing. Allele origin: germline. Affected: yes.
Comment: The variant is observed at an extremely low frequency in the gnomAD v4.1.0 dataset (total allele frequency: <0.001%). Predicted Consequence/Location: Missense variant Functional studies provide moderate evidence of the variant having a damaging effect on the gene or gene product (PMID: 33181255). In silico tool predictions suggest damaging effect of the variant on gene or gene product [3Cnet: 0.94 (> 0.75, sensitivity 0.96 and precision 0.92)]. The same nucleotide change resulting in the same amino acid change has been previously reported as pathogenic/likely pathogenic with strong evidence (ClinVar ID: VCV001802576 /PMID: 33181255). Therefore, this variant is classified as Likely pathogenic according to the recommendation of ACMG/AMP guideline.

Women's Health and Genetics/Laboratory Corporation of America, LabCorp
Classification: Uncertain significance. Last evaluated: 2023-06-09. Review status: criteria provided, single submitter. Criteria: LabCorp Variant Classification Summary - May 2015. Collection method: clinical testing. Allele origin: germline.
Comment: Variant summary: FMR1 c.1325G>A (p.Arg442Gln) results in a conservative amino acid change located in the FMRI-like C_core domain (InterPro: IPR022034) of the encoded protein sequence. Three of five in-silico tools predict a benign effect of the variant on protein function. The variant was absent in 183440 control chromosomes in GnomAD. c.1325G>A has been reported in the literature in individuals affected with features of Fragile X Syndrome (example: Zeidler_2021, Mangano_2022). Except for the proband, clinical evaluation of these variant carriers however was inadequate. It was inherited from the mother that was reported to be healthy. These data indicate that the variant may be associated with disease. At least one publication reports experimental evidence evaluating an impact on protein function, which suggest a significant nuclear retention of the variant FMR1, however, does not allow convincing conclusions about the variant effect. The following publications have been ascertained in the context of this evaluation (PMID: 35091116, 33181255). Two clinical diagnostic laboratories have submitted clinical-significance assessments for this variant to ClinVar after 2014 without evidence for independent evaluation and both classified the variant as likely pathogenic. Based on the evidence outlined above, the variant was classified as VUS-possibly pathogenic.

Laboratory of Medical Genetics, University of Torino
Classification: Likely pathogenic for Fragile X syndrome. Last evaluated: 2022-11-29. Review status: criteria provided, single submitter. Criteria: ACMG Guidelines, 2015. Collection method: research. Allele origin: germline. Affected: yes. Study: NeuroWES.

GeneDx
Classification: Likely pathogenic. Last evaluated: 2022-09-01. Review status: criteria provided, single submitter. Criteria: GeneDx Variant Classification Process June 2021. Collection method: clinical testing. Allele origin: germline. Affected: yes.
Comment: Not observed at significant frequency in large population cohorts (gnomAD); Published functional studies suggest that the variant results in FMRP accumulation in the nucleus, possibly resulting in abnormal cellular function (Zeidler et al., 2021); In silico analysis supports that this missense variant has a deleterious effect on protein structure/function; This variant is associated with the following publications: (PMID: 33181255, 34828275, 35091116)

Literature cited by the submitters: PubMed 33181255 (cited by 3billion and Women's Health and Genetics/Laboratory Corporation of America, LabCorp); PubMed 35091116 (cited by Women's Health and Genetics/Laboratory Corporation of America, LabCorp).